The following is an entry in ClinVar:

NM_002437.5(MPV17):c.280G>C (p.Gly94Arg)

Gene: MPV17 (mitochondrial inner membrane protein MPV17; minus strand). Cytogenetic location: 2p23.3.
Variant type: single nucleotide variant.
Coding change: c.280G>C on transcript NM_002437.5 (MANE Select); coding-DNA position 280, G replaced by C.
Protein change: p.Gly94Arg; replaces glycine 94 with arginine.
Molecular consequence: missense variant.
Genome position (GRCh38, 1-based): chr2:27,312,589, C>G on the plus strand (G>C on the coding strand, the complement: MPV17 is on the minus strand). VCF-style: chr2-27312589-C-G. GRCh37 (hg19) VCF-style: chr2-27535456-C-G.
Other names: short protein forms G94R.
Identifiers: ClinVar variation 1810247 (VCV001810247.6), dbSNP rs267607257, ClinGen allele CA342980.

ClinVar aggregate classification (germline): Likely pathogenic. Review status: criteria provided, multiple submitters, no conflicts (2 of 4 stars). 4 submissions from 4 submitters: Likely pathogenic (4). Last evaluated 2024-09-27.

Conditions:
MPV17-related disorder. Also called: MPV17-related condition; MPV17-related disorders. Identifiers: MedGen CN239328.
Mitochondrial DNA depletion syndrome. Also called: mitochondrial DNA depletion. Identifiers: Orphanet 35698, MedGen C0342782, MONDO:0018158.
Charcot-Marie-Tooth disease, axonal, type 2EE. Also called: CHARCOT-MARIE-TOOTH NEUROPATHY, TYPE 2EE. Identifiers: MedGen C5193076, MONDO:0032728, OMIM 618400.

Submissions (4):

Blueprint Genetics
Classification: Likely pathogenic for MPV17-related disorders. Last evaluated: 2024-09-27. Review status: criteria provided, single submitter. Criteria: ACMG Guidelines, 2015. Collection method: clinical testing. Allele origin: germline. Affected: yes. Observed: 1 variant allele.

Baylor Genetics
Classification: Likely pathogenic for Charcot-Marie-Tooth disease, axonal, type 2EE. Last evaluated: 2023-08-11. Review status: criteria provided, single submitter. Criteria: ACMG Guidelines, 2015. Collection method: clinical testing. Allele origin: unknown.

Women's Health and Genetics/Laboratory Corporation of America, LabCorp
Classification: Likely pathogenic for Mitochondrial DNA depletion syndrome. Last evaluated: 2023-01-21. Review status: criteria provided, single submitter. Criteria: LabCorp Variant Classification Summary - May 2015. Collection method: clinical testing. Allele origin: germline.
Comment: Variant summary: MPV17 c.280G>C (p.Gly94Arg) results in a non-conservative amino acid change located in the inner mitochondrial membrane domain (Baumann_2019) of the encoded protein sequence. Three of five in-silico tools predict a damaging effect of the variant on protein function. The variant was absent in 251248 control chromosomes. c.280G>C has been reported in the literature as a compound heterozygous genotype in at-least one individual affected with supportive clinical and biochemical features of Mitochondrial DNA Depletion Syndrome - MPV17 Related (example, PMID: 20074988 with subsequent citations by others). To our knowledge, no experimental evidence demonstrating an impact on protein function has been reported. One clinical diagnostic laboratory has submitted clinical-significance assessments for this variant to ClinVar after 2014 without evidence for independent evaluation and classified the variant as likely pathogenic. Based on the evidence outlined above, the variant was classified as likely pathogenic.

Dubai Health Genomic Medicine Center, Dubai Health
Classification: Likely pathogenic. Last evaluated: 2022-12-17. Review status: criteria provided, single submitter. Criteria: ACMG Guidelines, 2015. Collection method: clinical testing. Allele origin: germline. Affected: yes.

Literature cited by the submitters: PubMed 30298599 (cited by Women's Health and Genetics/Laboratory Corporation of America, LabCorp); PubMed 20074988 (cited by Women's Health and Genetics/Laboratory Corporation of America, LabCorp); PubMed 30273399 (cited by Women's Health and Genetics/Laboratory Corporation of America, LabCorp); PubMed 27536553 (cited by Women's Health and Genetics/Laboratory Corporation of America, LabCorp).